The following continues an entry in ClinVar:

NM_007294.4(BRCA1):c.5072C>T (p.Thr1691Ile)

Gene: BRCA1. ClinVar aggregate classification (germline): Pathogenic/Likely pathogenic. Pathogenic (4); Likely pathogenic (3).

Submissions 10 to 13 of 13:

Department of Medical Genetics, National Institute of Health
Classification: Pathogenic for Breast-ovarian cancer, familial, susceptibility to, 1. Last evaluated: 2018-05-14. Review status: no assertion criteria provided. Collection method: clinical testing. Allele origin: germline. Inheritance: Autosomal dominant inheritance. Affected: yes. Observed: 1 variant allele, 1 heterozygote. Not counted in ClinVar's aggregate classification.
Comment: We identified the heterozygous variant NM_007294.3:c.5072C>T (p.Thr1691Ile) in BRCA1 gene in a Congolese family with four female cases of breast/ovarian cancer over two generations. This variant has previously been reported six times in families with hereditary breast and ovarian cancer syndrome. To date, there was a conflicting clinical significance of this variant in all databases from "Uncertain significance" in two reports to "likely pathogenic" in four others. This new report should contribute to improving the current pathogenicity ranking of this variant, c.5072C>T.

Brotman Baty Institute, University of Washington
No classification provided (evidence only). Condition: Breast-ovarian cancer, familial 1. Review status: no classification provided. Collection method: in vitro. Allele origin: not applicable. Functional consequence: functionally_abnormal. Not counted in ClinVar's aggregate classification.
ClinVar note: "not provided" was previously submitted as the classification for the variant. However, the classification appeared to be based only on an observation of functional data so it was converted to no classification on 2025-07-30.

Sharing Clinical Reports Project (SCRP)
Classification: Uncertain significance for Breast-ovarian cancer, familial 1. Last evaluated: 2007-03-06. Review status: flagged submission. Collection method: clinical testing. Allele origin: germline. Not counted in ClinVar's aggregate classification.
ClinVar note: Reason: Older and outlier claim with insufficient supporting evidence

Breast Cancer Information Core (BIC) (BRCA1)
Classification: Uncertain significance for Breast-ovarian cancer, familial 1. Last evaluated: 2004-02-20. Review status: flagged submission. Collection method: clinical testing. Allele origin: germline. Affected: yes. Observed: 3 variant alleles. Not counted in ClinVar's aggregate classification.
ClinVar note: Reason: Older and outlier claim with insufficient supporting evidence

Literature cited by the submitters: PubMed 20516115 (cited by 4 submitters); PubMed 22737296 (cited by Ambry Genetics); PubMed 25724305 (cited by 3 submitters); PubMed 30209399 (cited by 3 submitters); PubMed 30257991 (cited by 3 submitters); PubMed 28781887 (cited by Quest Diagnostics Nichols Institute San Juan Capistrano and Labcorp Genetics (formerly Invitae), Labcorp); PubMed 30765603 (cited by Quest Diagnostics Nichols Institute San Juan Capistrano and Labcorp Genetics (formerly Invitae), Labcorp); PubMed 25782689 (cited by Quest Diagnostics Nichols Institute San Juan Capistrano); PubMed 31447099 (cited by Quest Diagnostics Nichols Institute San Juan Capistrano); PubMed 31843900 (cited by 3 submitters); PubMed 23867111 (cited by Quest Diagnostics Nichols Institute San Juan Capistrano); PubMed 29470806 (cited by Quest Diagnostics Nichols Institute San Juan Capistrano and Labcorp Genetics (formerly Invitae), Labcorp); PubMed 29202330 (cited by Labcorp Genetics (formerly Invitae), Labcorp); PubMed 17305420 (cited by Labcorp Genetics (formerly Invitae), Labcorp).